The following is an entry in ClinVar:

NM_001845.6(COL4A1):c.4778G>T (p.Gly1593Val)

Gene: COL4A1 (collagen type IV alpha 1 chain; minus strand). Cytogenetic location: 13q34.
Variant type: single nucleotide variant.
Coding change: c.4778G>T on transcript NM_001845.6 (MANE Select); coding-DNA position 4778, G replaced by T.
Protein change: p.Gly1593Val; replaces glycine 1593 with valine.
Molecular consequence: missense variant.
Genome position (GRCh38, 1-based): chr13:110,152,484, C>A on the plus strand (G>T on the coding strand, the complement: COL4A1 is on the minus strand). VCF-style: chr13-110152484-C-A. GRCh37 (hg19) VCF-style: chr13-110804831-C-A.
Other names: short protein forms G1593V.
Identifiers: ClinVar variation 2712298 (VCV002712298.3), dbSNP rs889464899, ClinGen allele CA256239291.

ClinVar aggregate classification (germline): Uncertain significance (1 of 4 stars; one submission).

Allele frequency attached by ClinVar (database versions not stated): gnomAD exomes below 0.00001; TOPMed 0.00002.
gnomAD v4.1: 2 of 1,613,090 alleles (0.00012%); highest among the groups gnomAD compares: East Asian, 0.0022%; no homozygotes.

Submission:

Labcorp Genetics (formerly Invitae), Labcorp
Classification: Uncertain significance. Last evaluated: 2023-06-11. Review status: criteria provided, single submitter. Criteria: Invitae Variant Classification Sherloc (09022015). Collection method: clinical testing. Allele origin: germline.
Comment: In summary, the available evidence is currently insufficient to determine the role of this variant in disease. Therefore, it has been classified as a Variant of Uncertain Significance. This sequence change replaces glycine, which is neutral and non-polar, with valine, which is neutral and non-polar, at codon 1593 of the COL4A1 protein (p.Gly1593Val). The frequency data for this variant in the population databases is considered unreliable, as metrics indicate poor data quality at this position in the gnomAD database. This variant has not been reported in the literature in individuals affected with COL4A1-related conditions. Experimental studies and prediction algorithms are not available or were not evaluated, and the functional significance of this variant is currently unknown.